The following is an entry in ClinVar:

NM_001378615.1(CC2D2A):c.540+4A>G

Genes: CC2D2A (coiled-coil and C2 domain containing 2A; plus strand), FBXL5 (F-box and leucine rich repeat protein 5; minus strand). Cytogenetic location: 4p15.32.
Variant type: single nucleotide variant.
Coding change: c.540+4A>G on transcript NM_001378615.1 (MANE Select); 4 bases into the intron after coding-DNA position 540, A replaced by G.
Molecular consequence: intron variant.
Genome position (GRCh38, 1-based): chr4:15,510,244, A>G. VCF-style: chr4-15510244-A-G. GRCh37 (hg19) VCF-style: chr4-15511867-A-G.
Other names: c.540+4A>G (NM_001080522.2); c.393+4A>G (NM_001378617.1).
Identifiers: ClinVar variation 2001425 (VCV002001425.2), dbSNP rs1483884923, ClinGen allele CA549889140.

ClinVar aggregate classification (germline): Uncertain significance (1 of 4 stars; one submission).

Conditions:
Retinal dystrophy. Also called: Inherited retinal dystrophy. Identifiers: Orphanet 71862, MedGen C0854723, MeSH D058499, MONDO:0019118, HP:0000556.
Joubert syndrome and related disorders. Identifiers: Orphanet 140874, MedGen C5679612, MONDO:0015369.
Joubert syndrome. Also called: JOUBERT-BOLTSHAUSER SYNDROME; Familial aplasia of the vermis. Identifiers: Orphanet 475, MedGen C5979921, MONDO:0018772.
Meckel-Gruber syndrome. Also called: DYSENCEPHALIA SPLANCHNOCYSTICA; GRUBER SYNDROME; Dysencephalia splachnocystica. Identifiers: Orphanet 564, MedGen C0265215, MONDO:0018921.

Allele frequency attached by ClinVar (database versions not stated): gnomAD exomes below 0.00001; gnomAD 0.00001; TOPMed 0.00001.
gnomAD v4.1: 2 of 1,605,038 alleles (0.00012%); highest among the groups gnomAD compares: Non-Finnish European, 0.00017%; no homozygotes.

Submission:

Labcorp Genetics (formerly Invitae), Labcorp
Classification: Uncertain significance for Joubert syndrome; Meckel-Gruber syndrome. Last evaluated: 2022-05-31. Review status: criteria provided, single submitter. Criteria: Invitae Variant Classification Sherloc (09022015). Collection method: clinical testing. Allele origin: germline.
Comment: This sequence change falls in intron 8 of the CC2D2A gene. It does not directly change the encoded amino acid sequence of the CC2D2A protein. It affects a nucleotide within the consensus splice site. This variant is present in population databases (no rsID available, gnomAD 0.007%). This variant has not been reported in the literature in individuals affected with CC2D2A-related conditions. Variants that disrupt the consensus splice site are a relatively common cause of aberrant splicing (PMID: 17576681, 9536098). Algorithms developed to predict the effect of sequence changes on RNA splicing suggest that this variant may disrupt the consensus splice site. In summary, the available evidence is currently insufficient to determine the role of this variant in disease. Therefore, it has been classified as a Variant of Uncertain Significance.

Literature cited by the submitters: PubMed 17576681 (cited by Labcorp Genetics (formerly Invitae), Labcorp); PubMed 9536098 (cited by Labcorp Genetics (formerly Invitae), Labcorp).